The following is an entry in ClinVar:

ClinVar aggregate classification (germline): Conflicting classifications of pathogenicity. Review status: criteria provided, conflicting classifications (1 of 4 stars). 8 submissions from 8 submitters: Uncertain significance (1); Benign (2); Likely benign (3). 2 of the submissions do not count toward it. Last evaluated 2026-01-16.

Conditions:
SACS-related disorder. Also called: SACS-related condition.
Spastic paraplegia. Identifiers: MedGen C0037772, HP:0001258.
Charlevoix-Saguenay spastic ataxia (SACS). Also called: AUTOSOMAL RECESSIVE SPASTIC ATAXIA OF CHARLEVOIX-SAGUENAY; SPASTIC ATAXIA 6, AUTOSOMAL RECESSIVE; Spastic ataxia of Charlevoix-Saguenay. Identifiers: Orphanet 98, MedGen C1849140, MONDO:0010041, OMIM 270550.

Allele frequency attached by ClinVar (database versions not stated): gnomAD exomes 0.00007 and 0.00014; ExAC 0.00022; gnomAD 0.00070; TOPMed 0.00073; ESP Exome Variant Server 0.00077; 1000 Genomes Project 30x 0.00109; 1000 Genomes Project 0.00120.
gnomAD v4.1: 216 of 1,597,908 alleles (0.014%); highest among the groups gnomAD compares: African/African-American, 0.27%; 2 homozygotes.

Submissions (8):

Labcorp Genetics (formerly Invitae), Labcorp
Classification: Benign for Spastic paraplegia. Last evaluated: 2026-01-16. Review status: criteria provided, single submitter. Criteria: Invitae Variant Classification Sherloc (09022015). Collection method: clinical testing. Allele origin: germline.

Women's Health and Genetics/Laboratory Corporation of America, LabCorp
Classification: Likely benign. Last evaluated: 2025-12-10. Review status: criteria provided, single submitter. Criteria: LabCorp Variant Classification Summary - May 2015. Collection method: clinical testing. Allele origin: germline.

PreventionGenetics, part of Exact Sciences
Classification: Likely benign for SACS-related condition. Last evaluated: 2024-11-15. Review status: criteria provided, single submitter. Criteria: ACMG Guidelines, 2015. Collection method: clinical testing. Allele origin: germline.
Comment: This variant is classified as likely benign based on ACMG/AMP sequence variant interpretation guidelines (Richards et al. 2015 PMID: 25741868, with internal and published modifications).

Athena Diagnostics
Classification: Benign. Last evaluated: 2023-11-16. Review status: criteria provided, single submitter. Criteria: Athena Diagnostics Criteria. Collection method: clinical testing. Allele origin: unknown.

Genome-Nilou Lab
Classification: Likely benign for Charlevoix-Saguenay spastic ataxia. Last evaluated: 2021-09-05. Review status: criteria provided, single submitter. Criteria: ACMG Guidelines, 2015. Collection method: clinical testing. Allele origin: germline. Affected: no.

Eurofins Ntd Llc (ga)
Classification: Uncertain significance. Last evaluated: 2017-04-17. Review status: criteria provided, single submitter. Criteria: EGL Classification Definitions 2015. Collection method: clinical testing. Allele origin: germline. Observed: 1 variant allele, 1 heterozygote.

Natera, Inc.
Classification: Likely benign for Charlevoix-Saguenay type spastic ataxia. Last evaluated: 2019-11-11. Review status: no assertion criteria provided. Collection method: clinical testing. Allele origin: germline. Not counted in ClinVar's aggregate classification.

Mayo Clinic Laboratories, Mayo Clinic
Classification: Likely benign. Last evaluated: 2016-02-29. Review status: no assertion criteria provided. Collection method: clinical testing. Allele origin: unknown. Not counted in ClinVar's aggregate classification.

NM_014363.6(SACS):c.10668G>A (p.Leu3556=)

Gene: SACS (sacsin molecular chaperone; minus strand). Cytogenetic location: 13q12.12.
Variant type: single nucleotide variant.
Coding change: c.10668G>A on transcript NM_014363.6 (MANE Select); coding-DNA position 10668, G replaced by A.
Protein change: p.Leu3556=; no amino-acid change (leucine 3556 retained).
Molecular consequence: synonymous variant.
Genome position (GRCh38, 1-based): chr13:23,333,208, C>T on the plus strand (G>A on the coding strand, the complement: SACS is on the minus strand). VCF-style: chr13-23333208-C-T. GRCh37 (hg19) VCF-style: chr13-23907347-C-T.
Other names: c.10227G>A, p.Leu3409= (NM_001278055.2).
Identifiers: ClinVar variation 501122 (VCV000501122.28), dbSNP rs139517699, ClinGen allele CA6910414.